The following is an entry in ClinVar:

NM_000303.3(PMM2):c.652C>A (p.His218Asn)

Gene: PMM2 (phosphomannomutase 2; plus strand). Cytogenetic location: 16p13.2.
Variant type: single nucleotide variant.
Coding change: c.652C>A on transcript NM_000303.3 (MANE Select); coding-DNA position 652, C replaced by A.
Protein change: p.His218Asn; replaces histidine 218 with asparagine.
Molecular consequence: missense variant.
Genome position (GRCh38, 1-based): chr16:8,847,736, C>A. VCF-style: chr16-8847736-C-A. GRCh37 (hg19) VCF-style: chr16-8941593-C-A.
Other names: short protein forms H218N.
Identifiers: ClinVar variation 1348470 (VCV001348470.6), dbSNP rs398123310, ClinGen allele CA394689385.

ClinVar aggregate classification (germline): Uncertain significance. Review status: criteria provided, multiple submitters, no conflicts (2 of 4 stars). 2 submissions from 2 submitters: Uncertain significance (2). Last evaluated 2024-04-01.

Conditions:
PMM2-congenital disorder of glycosylation. Also called: Congenital disorder of glycosylation, type Ia; PMM2-CDG; PHOSPHOMANNOMUTASE 2 DEFICIENCY; CARBOHYDRATE-DEFICIENT GLYCOPROTEIN SYNDROME, TYPE Ia; CDG Ia; JAEKEN SYNDROME. Identifiers: Orphanet 79318, MedGen C0349653, MONDO:0008907, OMIM 212065.

Allele frequency attached by ClinVar (database versions not stated): gnomAD exomes below 0.00001; TOPMed below 0.00001; gnomAD 0.00001.
gnomAD v4.1: 2 of 1,613,142 alleles (0.00012%); highest among the groups gnomAD compares: Non-Finnish European, 0.00017%; no homozygotes.

Submissions (2):

Fulgent Genetics
Classification: Uncertain significance for PMM2-congenital disorder of glycosylation. Last evaluated: 2024-04-01. Review status: criteria provided, single submitter. Criteria: ACMG Guidelines, 2015. Collection method: clinical testing. Allele origin: germline.

Labcorp Genetics (formerly Invitae), Labcorp
Classification: Uncertain significance for PMM2-congenital disorder of glycosylation. Last evaluated: 2022-08-16. Review status: criteria provided, single submitter. Criteria: Invitae Variant Classification Sherloc (09022015). Collection method: clinical testing. Allele origin: germline.
Comment: This sequence change replaces histidine, which is basic and polar, with asparagine, which is neutral and polar, at codon 218 of the PMM2 protein (p.His218Asn). This variant is not present in population databases (gnomAD no frequency). This variant has not been reported in the literature in individuals affected with PMM2-related conditions. ClinVar contains an entry for this variant (Variation ID: 1348470). Algorithms developed to predict the effect of missense changes on protein structure and function are either unavailable or do not agree on the potential impact of this missense change (SIFT: "Deleterious"; PolyPhen-2: "Benign"; Align-GVGD: "Class C15"). This variant disrupts the p.His218 amino acid residue in PMM2. Other variant(s) that disrupt this residue have been observed in individuals with PMM2-related conditions (PMID: 10527672, 11156536, 23806237, 24493206), which suggests that this may be a clinically significant amino acid residue. In summary, the available evidence is currently insufficient to determine the role of this variant in disease. Therefore, it has been classified as a Variant of Uncertain Significance.

Literature cited by the submitters: PubMed 10527672 (cited by Labcorp Genetics (formerly Invitae), Labcorp); PubMed 11156536 (cited by Labcorp Genetics (formerly Invitae), Labcorp); PubMed 23806237 (cited by Labcorp Genetics (formerly Invitae), Labcorp); PubMed 24493206 (cited by Labcorp Genetics (formerly Invitae), Labcorp).